The following is an entry in ClinVar:

ClinVar aggregate classification (germline): Uncertain significance (1 of 4 stars; one submission).

Conditions:
Candidiasis, familial, 9 (CANDF9). Identifiers: Orphanet 1334, MedGen C4225324, MONDO:0014642, OMIM 616445.

Allele frequency attached by ClinVar (database versions not stated): gnomAD exomes below 0.00001; TOPMed below 0.00001; ExAC 0.00001; gnomAD 0.00001.
gnomAD v4.1: 7 of 1,612,576 alleles (0.00043%); highest among the groups gnomAD compares: East Asian, 0.0067%; no homozygotes.

Submission:

Labcorp Genetics (formerly Invitae), Labcorp
Classification: Uncertain significance for Candidiasis, familial, 9. Last evaluated: 2020-03-25. Review status: criteria provided, single submitter. Criteria: Invitae Variant Classification Sherloc (09022015). Collection method: clinical testing. Allele origin: germline.
Comment: Algorithms developed to predict the effect of missense changes on protein structure and function output the following: SIFT: "Deleterious"; PolyPhen-2: "Benign"; Align-GVGD: "Class C0". The threonine amino acid residue is found in multiple mammalian species, suggesting that this missense change does not adversely affect protein function. These predictions have not been confirmed by published functional studies and their clinical significance is uncertain. This variant has not been reported in the literature in individuals with IL17RC-related conditions. This variant is present in population databases (rs747911271, ExAC 0.01%). This sequence change replaces alanine with threonine at codon 752 of the IL17RC protein (p.Ala752Thr). The alanine residue is moderately conserved and there is a small physicochemical difference between alanine and threonine. In summary, the available evidence is currently insufficient to determine the role of this variant in disease. Therefore, it has been classified as a Variant of Uncertain Significance.

NM_153460.4(IL17RC):c.2041G>A (p.Ala681Thr)

Genes: IL17RC (interleukin 17 receptor C; plus strand), LOC129936144 (ATAC-STARR-seq lymphoblastoid silent region 14051; plus strand). Cytogenetic location: 3p25.3.
Variant type: single nucleotide variant.
Coding change: c.2041G>A on transcript NM_153460.4 (MANE Select); coding-DNA position 2041, G replaced by A.
Protein change: p.Ala681Thr; replaces alanine 681 with threonine.
Molecular consequence: missense variant. On other transcripts: non-coding transcript variant (1).
Genome position (GRCh38, 1-based): chr3:9,933,471, G>A. VCF-style: chr3-9933471-G-A. GRCh37 (hg19) VCF-style: chr3-9975155-G-A.
Other names: c.2002G>A, p.Ala668Thr (NM_001203263.2); c.1951G>A, p.Ala651Thr (NM_001203264.2); c.1945G>A, p.Ala649Thr (NM_001203265.2); c.1963G>A, p.Ala655Thr (NM_001367278.1); c.1882G>A, p.Ala628Thr (NM_001367279.1); c.1957G>A, p.Ala653Thr (NM_001367280.1); c.1996G>A, p.Ala666Thr (NM_032732.6); c.2254G>A, p.Ala752Thr (NM_153461.4); short protein forms A628T, A649T, A651T, A653T, A655T, A666T, A668T, A681T.
Identifiers: ClinVar variation 1004349 (VCV001004349.5), dbSNP rs747911271, ClinGen allele CA2247472.
Genomic context (GRCh38, chr3:9,933,471, plus strand): 5'-GACTTCCTGGGGGCCCTGCAGCAGCCTCGCGCCCCGCGTTCCGGGCGGCTCCAAGAGAGA[G>A]CGGAGCAAGTGTCCCGGGCCCTTCAGCCAGCCCTGGATAGCTACTTCCATCCCCCGGGGA-3'
Protein context (NP_703190.2, residues 671-691): APRSGRLQER[Ala681Thr]EQVSRALQPA